The following is an entry in ClinVar:

ClinVar aggregate classification (germline): Uncertain significance (1 of 4 stars; one submission).

Conditions:
Fetal akinesia deformation sequence 1 (FADS1). Also called: Pena-Shokeir syndrome type I; Fetal akinesia sequence. Identifiers: Orphanet 994, MedGen C1276035, MONDO:0100101, OMIM 208150, HP:0001989.
Congenital myasthenic syndrome 11. Also called: Myasthenic syndrome, congenital, 11, associated with acetylcholine receptor deficiency; MYASTHENIC SYNDROME, CONGENITAL, Ie. Identifiers: Orphanet 590, MedGen C4225367, MONDO:0014588, OMIM 616326.

Submission:

Labcorp Genetics (formerly Invitae), Labcorp
Classification: Uncertain significance for Congenital myasthenic syndrome 11; Fetal akinesia deformation sequence 1. Last evaluated: 2021-05-18. Review status: criteria provided, single submitter. Criteria: Invitae Variant Classification Sherloc (09022015). Collection method: clinical testing. Allele origin: germline.
Comment: This variant is not present in population databases (ExAC no frequency). This sequence change replaces alanine with glycine at codon 347 of the RAPSN protein (p.Ala347Gly). The alanine residue is moderately conserved and there is a small physicochemical difference between alanine and glycine. This variant has not been reported in the literature in individuals with RAPSN-related conditions. In summary, the available evidence is currently insufficient to determine the role of this variant in disease. Therefore, it has been classified as a Variant of Uncertain Significance. Algorithms developed to predict the effect of missense changes on protein structure and function (SIFT, PolyPhen-2, Align-GVGD) all suggest that this variant is likely to be tolerated, but these predictions have not been confirmed by published functional studies and their clinical significance is uncertain.

NM_005055.5(RAPSN):c.1040C>G (p.Ala347Gly)

Gene: RAPSN (receptor associated protein of the synapse; minus strand). Cytogenetic location: 11p11.2.
Variant type: single nucleotide variant.
Coding change: c.1040C>G on transcript NM_005055.5 (MANE Select); coding-DNA position 1040, C replaced by G.
Protein change: p.Ala347Gly; replaces alanine 347 with glycine.
Molecular consequence: missense variant.
Genome position (GRCh38, 1-based): chr11:47,438,858, G>C on the plus strand (C>G on the coding strand, the complement: RAPSN is on the minus strand). VCF-style: chr11-47438858-G-C. GRCh37 (hg19) VCF-style: chr11-47460409-G-C.
Other names: c.863C>G, p.Ala288Gly (NM_032645.5); short protein forms A347G, A288G.
Identifiers: ClinVar variation 1409322 (VCV001409322.8), dbSNP rs1252992478, ClinGen allele CA380327742.